The following is an entry in ClinVar:

NM_172201.2(KCNE2):c.17A>G (p.Asn6Ser)

Genes: KCNE2 (potassium voltage-gated channel subfamily E regulatory subunit 2; plus strand), LOC105372791 (uncharacterized LOC105372791; minus strand). Cytogenetic location: 21q22.11.
Variant type: single nucleotide variant.
Coding change: c.17A>G on transcript NM_172201.2 (MANE Select); coding-DNA position 17, A replaced by G.
Protein change: p.Asn6Ser; replaces asparagine 6 with serine.
Molecular consequence: missense variant.
Genome position (GRCh38, 1-based): chr21:34,370,495, A>G. VCF-style: chr21-34370495-A-G. GRCh37 (hg19) VCF-style: chr21-35742794-A-G.
Other names: short protein forms N6S.
Identifiers: ClinVar variation 895204 (VCV000895204.7), dbSNP rs776661633, ClinGen allele CA10013385.

ClinVar aggregate classification (germline): Uncertain significance. Review status: criteria provided, multiple submitters, no conflicts (2 of 4 stars). 4 submissions from 3 submitters: Uncertain significance (4). Last evaluated 2021-07-02.

Conditions:
Cardiovascular phenotype. Identifiers: MedGen CN230736.
Atrial fibrillation, familial, 4 (ATFB4). Identifiers: MedGen C1862394, MONDO:0012677, OMIM 611493.
Long QT syndrome 6 (LQT6). Identifiers: Orphanet 101016, Orphanet 768, MedGen C3150953, MONDO:0013370, OMIM 613693.

Allele frequency attached by ClinVar (database versions not stated): TOPMed below 0.00001; gnomAD 0.00001; gnomAD exomes 0.00001; ExAC 0.00002.
gnomAD v4.1: 10 of 1,614,016 alleles (0.00062%); highest among the groups gnomAD compares: Non-Finnish European, 0.00085%; no homozygotes.

Submissions (4):

Fulgent Genetics
Classification: Uncertain significance for Atrial fibrillation, familial, 4; Long QT syndrome 6. Last evaluated: 2021-07-02. Review status: criteria provided, single submitter. Criteria: ACMG Guidelines, 2015. Collection method: clinical testing. Allele origin: unknown.

Ambry Genetics
Classification: Uncertain significance for Cardiovascular phenotype. Last evaluated: 2020-03-24. Review status: criteria provided, single submitter. Criteria: Ambry Variant Classification Scheme 2023. Collection method: clinical testing. Allele origin: germline.
Comment: The p.N6S variant (also known as c.17A>G), located in coding exon 1 of the KCNE2 gene, results from an A to G substitution at nucleotide position 17. The asparagine at codon 6 is replaced by serine, an amino acid with highly similar properties. This variant was identified in an asymptomatic first degree relative and absent in the proband with cardiomyopathy (Roberts JD et al. Circ Arrhythm Electrophysiol, 2017 Aug;10:). This amino acid position is highly conserved in available vertebrate species. In addition, this alteration is predicted to be tolerated by in silico analysis. Based on available evidence to date, the clinical significance of this alteration remains unclear.

Illumina Laboratory Services, Illumina
Classification: Uncertain significance for Long QT syndrome 6. Last evaluated: 2018-01-12. Review status: criteria provided, single submitter. Criteria: ICSL Variant Classification Criteria 13 December 2019. Collection method: clinical testing. Allele origin: germline.

Illumina Laboratory Services, Illumina
Classification: Uncertain significance for Atrial fibrillation, familial, 4. Last evaluated: 2018-01-12. Review status: criteria provided, single submitter. Criteria: ICSL Variant Classification Criteria 13 December 2019. Collection method: clinical testing. Allele origin: germline.

Literature cited by the submitters: PubMed 28794082 (cited by Ambry Genetics).